The following is an entry in ClinVar:

ClinVar aggregate classification (germline): Uncertain significance (1 of 4 stars; one submission).

Allele frequency attached by ClinVar (database versions not stated): gnomAD exomes below 0.00001; gnomAD 0.00001; TOPMed 0.00002.
gnomAD v4.1: 4 of 1,614,056 alleles (0.00025%); highest among the groups gnomAD compares: African/African-American, 0.004%; no homozygotes.

Submission:

Labcorp Genetics (formerly Invitae), Labcorp
Classification: Uncertain significance. Last evaluated: 2025-08-15. Review status: criteria provided, single submitter. Criteria: Invitae Variant Classification Sherloc (09022015). Collection method: clinical testing. Allele origin: germline.
Comment: This sequence change replaces methionine, which is neutral and non-polar, with isoleucine, which is neutral and non-polar, at codon 270 of the OPN1SW protein (p.Met270Ile). This variant is not present in population databases (gnomAD no frequency). This variant has not been reported in the literature in individuals affected with OPN1SW-related conditions. ClinVar contains an entry for this variant (Variation ID: 1464158). An algorithm developed to predict the effect of missense changes on protein structure and function (PolyPhen-2) suggests that this variant is likely to be disruptive. In summary, the available evidence is currently insufficient to determine the role of this variant in disease. Therefore, it has been classified as a Variant of Uncertain Significance.

NM_001385125.1(OPN1SW):c.801G>A (p.Met267Ile)

Gene: OPN1SW (opsin 1, short wave sensitive; minus strand). Cytogenetic location: 7q32.1.
Variant type: single nucleotide variant.
Coding change: c.801G>A on transcript NM_001385125.1 (MANE Select); coding-DNA position 801, G replaced by A.
Protein change: p.Met267Ile; replaces methionine 267 with isoleucine.
Molecular consequence: missense variant.
Genome position (GRCh38, 1-based): chr7:128,773,766, C>T on the plus strand (G>A on the coding strand, the complement: OPN1SW is on the minus strand). VCF-style: chr7-128773766-C-T. GRCh37 (hg19) VCF-style: chr7-128413820-C-T.
Other names: short protein forms M267I.
Identifiers: ClinVar variation 1464158 (VCV001464158.8), dbSNP rs1412602843, ClinGen allele CA369217793.